The following is an entry in ClinVar:

NM_005121.3(MED13):c.4800A>G (p.Glu1600=)

Gene: MED13 (mediator complex subunit 13; minus strand). Cytogenetic location: 17q23.2.
Variant type: single nucleotide variant.
Coding change: c.4800A>G on transcript NM_005121.3 (MANE Select); coding-DNA position 4800, A replaced by G.
Protein change: p.Glu1600=; no amino-acid change (glutamic acid 1600 retained).
Molecular consequence: synonymous variant.
Genome position (GRCh38, 1-based): chr17:61,965,050, T>C on the plus strand (A>G on the coding strand, the complement: MED13 is on the minus strand). VCF-style: chr17-61965050-T-C. GRCh37 (hg19) VCF-style: chr17-60042411-T-C.
Identifiers: ClinVar variation 5039824 (VCV005039824.1).

ClinVar aggregate classification (germline): Likely benign (1 of 4 stars; one submission).

gnomAD v4.1: 1 of 1,614,116 alleles (0.000062%); highest among the groups gnomAD compares: Admixed American, 0.0017%; no homozygotes.

Submission:

CeGaT Center for Human Genetics Tuebingen
Classification: Likely benign. Last evaluated: 2026-10-01. Review status: criteria provided, single submitter. Criteria: CeGaT Center For Human Genetics Tuebingen Variant Classification Criteria Version 2. Collection method: clinical testing. Allele origin: germline. Affected: yes. Observed: 2 variant alleles.
Comment: MED13: BP4, BP7